The following is an entry in ClinVar:

NM_006270.5(RRAS):c.64G>T (p.Gly22Trp)

Gene: RRAS (RAS related; minus strand). Cytogenetic location: 19q13.33.
Variant type: single nucleotide variant.
Coding change: c.64G>T on transcript NM_006270.5 (MANE Select); coding-DNA position 64, G replaced by T.
Protein change: p.Gly22Trp; replaces glycine 22 with tryptophan.
Molecular consequence: missense variant.
Genome position (GRCh38, 1-based): chr19:49,640,035, C>A on the plus strand (G>T on the coding strand, the complement: RRAS is on the minus strand). VCF-style: chr19-49640035-C-A. GRCh37 (hg19) VCF-style: chr19-50143292-C-A.
Other names: short protein forms G22W.
Identifiers: ClinVar variation 527790 (VCV000527790.34), dbSNP rs754976061, ClinGen allele CA9579167.

ClinVar aggregate classification (germline): Uncertain significance. Review status: criteria provided, multiple submitters, no conflicts (2 of 4 stars). 4 submissions from 4 submitters: Uncertain significance (4). Last evaluated 2025-09-05.

Conditions:
Noonan syndrome (NS). Also called: Noonan's syndrome. Identifiers: Orphanet 648, MedGen C0028326, MeSH D009634, MONDO:0018997. Disease mechanism: gain of function.
RRAS-related disorder. Also called: RRAS-related condition.

Allele frequency attached by ClinVar (database versions not stated): gnomAD exomes below 0.00001 and 0.00003; ExAC 0.00003.
gnomAD v4.1: 5 of 1,535,840 alleles (0.00033%); highest among the groups gnomAD compares: Admixed American, 0.0078%; no homozygotes.

Submissions (4):

PreventionGenetics, part of Exact Sciences
Classification: Uncertain significance for RRAS-related condition. Last evaluated: 2025-09-05. Review status: criteria provided, single submitter. Criteria: ACMG Guidelines, 2015. Collection method: clinical testing. Allele origin: germline.
Comment: The RRAS c.64G>T variant is predicted to result in the amino acid substitution p.Gly22Trp. To our knowledge, this variant has not been reported in the literature. This variant is reported in 0.013% of alleles in individuals of Latino descent in gnomAD. At this time, the clinical significance of this variant is uncertain due to the absence of conclusive functional and genetic evidence.

St. Jude Molecular Pathology, St. Jude Children's Research Hospital
Classification: Uncertain significance for Noonan syndrome. Last evaluated: 2023-11-13. Review status: criteria provided, single submitter. Criteria: St. Jude Assertion Criteria 2020. Collection method: clinical testing. Allele origin: germline.
Comment: The RRAS c.64G>T (p.Gly22Trp) missense change has a maximum subpopulation frequency of 0.012% in gnomAD v2.1.1. The in silico tool REVEL predicts a benign effect on protein function, but to our knowledge this prediction has not been confirmed by functional studies. To our knowledge, this variant has not been reported in individuals with Noonan syndrome. In summary, the evidence currently available is insufficient to determine the clinical significance of this variant. It has therefore been classified as of uncertain significance.

CeGaT Center for Human Genetics Tuebingen
Classification: Uncertain significance. Last evaluated: 2023-10-01. Review status: criteria provided, single submitter. Criteria: CeGaT Center For Human Genetics Tuebingen Variant Classification Criteria Version 2. Collection method: clinical testing. Allele origin: germline. Affected: yes. Observed: 1 variant allele.

Labcorp Genetics (formerly Invitae), Labcorp
Classification: Uncertain significance for Noonan syndrome. Last evaluated: 2022-06-29. Review status: criteria provided, single submitter. Criteria: Invitae Variant Classification Sherloc (09022015). Collection method: clinical testing. Allele origin: germline.
Comment: The frequency data for this variant in the population databases is considered unreliable, as metrics indicate poor data quality at this position in the gnomAD database. This sequence change replaces glycine, which is neutral and non-polar, with tryptophan, which is neutral and slightly polar, at codon 22 of the RRAS protein (p.Gly22Trp). This variant has not been reported in the literature in individuals affected with RRAS-related conditions. ClinVar contains an entry for this variant (Variation ID: 527790). Algorithms developed to predict the effect of missense changes on protein structure and function (SIFT, PolyPhen-2, Align-GVGD) all suggest that this variant is likely to be tolerated. In summary, the available evidence is currently insufficient to determine the role of this variant in disease. Therefore, it has been classified as a Variant of Uncertain Significance.